The following is an entry in ClinVar:

NM_001283009.2(RTEL1):c.3883T>G (p.Phe1295Val)

Genes: RTEL1 (regulator of telomere elongation helicase 1; plus strand), RTEL1-TNFRSF6B (RTEL1-TNFRSF6B readthrough (NMD candidate); plus strand). Cytogenetic location: 20q13.33.
Variant type: single nucleotide variant.
Coding change: c.3883T>G on transcript NM_001283009.2 (MANE Select); coding-DNA position 3883, T replaced by G.
Protein change: p.Phe1295Val; replaces phenylalanine 1295 with valine.
Molecular consequence: missense variant. On other transcripts: non-coding transcript variant (1), 3 prime UTR variant (3).
Genome position (GRCh38, 1-based): chr20:63,695,838, T>G. VCF-style: chr20-63695838-T-G. GRCh37 (hg19) VCF-style: chr20-62327191-T-G.
Other names: c.*53T>G (NM_001283010.1, NM_016434.4, NM_032957.5); short protein forms F1295V.
Identifiers: ClinVar variation 5028543 (VCV005028543.1).
Genomic context (GRCh38, chr20:63,695,838, plus strand): 5'-GCCTCTAGGATGTGCCCAGCCTGCCACACCGCCTCCAGGAAGCAGAGCGTCATGCAGGTC[T>G]TCTGGCCAGAGCCCCAGTGAGTGCCCACGGAGGCCCCCAGCACACCCAACGTGGCTTGAT-3'
Protein context (NP_001269938.1, residues 1285-1300): ASRKQSVMQV[Phe1295Val]WPEPQ

ClinVar aggregate classification (germline): Uncertain significance (1 of 4 stars; one submission).

Conditions:
Inborn genetic diseases. Identifiers: MedGen C0950123, MeSH D030342.

Submission:

Ambry Genetics
Classification: Uncertain significance for Inborn genetic diseases. Last evaluated: 2026-09-14. Review status: criteria provided, single submitter. Criteria: Ambry Variant Classification Scheme 2023. Collection method: clinical testing. Allele origin: germline.
Comment: The p.F1295V variant (also known as c.3883T>G), located in coding exon 34 of the RTEL1 gene, results from a T to G substitution at nucleotide position 3883. The phenylalanine at codon 1295 is replaced by valine, an amino acid with highly similar properties. This amino acid position is conserved. In addition, the in silico prediction for this alteration is inconclusive. Based on the available evidence, the clinical significance of this variant remains unclear.